The following is an entry in ClinVar:

ClinVar aggregate classification (germline): Uncertain significance (1 of 4 stars; one submission).

Conditions:
Hereditary cancer-predisposing syndrome. Also called: Neoplastic Syndromes, Hereditary; Tumor predisposition; Hereditary Cancer Syndrome; Hereditary neoplastic syndrome. Identifiers: Orphanet 140162, MedGen C0027672, MeSH D009386, MONDO:0015356.

Submission:

Ambry Genetics
Classification: Uncertain significance for Hereditary cancer-predisposing syndrome. Last evaluated: 2025-09-28. Review status: criteria provided, single submitter. Criteria: Ambry Variant Classification Scheme 2023. Collection method: clinical testing. Allele origin: germline.
Comment: The p.K860T variant (also known as c.2579A>C), located in coding exon 10 of the MET gene, results from an A to C substitution at nucleotide position 2579. The lysine at codon 860 is replaced by threonine, an amino acid with similar properties. This amino acid position is conserved. In addition, this alteration is predicted to be tolerated by in silico analysis. Based on the available evidence, the clinical significance of this variant remains unclear.

NM_000245.4(MET):c.2525A>C (p.Lys842Thr)

Gene: MET (MET proto-oncogene, receptor tyrosine kinase; plus strand). Cytogenetic location: 7q31.2.
Variant type: single nucleotide variant.
Coding change: c.2525A>C on transcript NM_000245.4 (MANE Select); coding-DNA position 2525, A replaced by C.
Protein change: p.Lys842Thr; replaces lysine 842 with threonine.
Molecular consequence: missense variant.
Genome position (GRCh38, 1-based): chr7:116,763,210, A>C. VCF-style: chr7-116763210-A-C. GRCh37 (hg19) VCF-style: chr7-116403264-A-C.
Other names: c.2579A>C, p.Lys860Thr (NM_001127500.3); c.2525A>C, p.Lys842Thr (NM_001324401.3); c.1235A>C, p.Lys412Thr (NM_001324402.2); short protein forms K860T, K842T, K412T.
Identifiers: ClinVar variation 4647586 (VCV004647586.1).